The following is an entry in ClinVar:

ClinVar aggregate classification (germline): Pathogenic. Review status: criteria provided, multiple submitters, no conflicts (2 of 4 stars). 3 submissions from 3 submitters: Pathogenic (3). Last evaluated 2025-07-24.

Conditions:
Intellectual developmental disorder, autosomal dominant 51. Also called: MENTAL RETARDATION, AUTOSOMAL DOMINANT 51; Intellectual disability, autosomal dominant 51. Identifiers: Orphanet 684226, MedGen C4540474, MONDO:0030917, OMIM 617788.
Autistic behavior. Identifiers: MedGen C0856975, HP:0000729.

Submissions (3):

3billion
Classification: Pathogenic for Intellectual developmental disorder, autosomal dominant 51. Last evaluated: 2025-07-24. Review status: criteria provided, single submitter. Criteria: ACMG Guidelines, 2015. Collection method: clinical testing. Allele origin: germline. Affected: yes.
Comment: The variant is not observed in the gnomAD v4.1.0 dataset. Predicted Consequence/Location: Stop-gained (nonsense): predicted to result in a loss or disruption of normal protein function through nonsense-mediated decay (NMD) or protein truncation. Multiple pathogenic variants are reported downstream of the variant. The variant has been reported at least twice as pathogenic without evidence for the classification (ClinVar ID: VCV001172593). Therefore, this variant is classified as Pathogenic according to the recommendation of ACMG/AMP guideline.

GeneDx
Classification: Pathogenic. Last evaluated: 2024-08-07. Review status: criteria provided, single submitter. Criteria: GeneDx Variant Classification Process June 2021. Collection method: clinical testing. Allele origin: germline. Affected: yes.
Comment: De novo variant with confirmed parentage in a patient in published literature from a cohort of individuals with autism; however, detailed clinical information was not provided (PMID: 35982160); Nonsense variant predicted to result in protein truncation or nonsense mediated decay in a gene for which loss of function is a known mechanism of disease; Not observed at significant frequency in large population cohorts (gnomAD); This variant is associated with the following publications: (PMID: 35982160, 37586840, 35982159)

Equipe Genetique des Anomalies du Developpement, Université de Bourgogne
Classification: Pathogenic for Autistic behavior. Review status: criteria provided, single submitter. Criteria: ACMG Guidelines, 2015. Collection method: clinical testing. Allele origin: de novo. Affected: yes.

NM_017635.5(KMT5B):c.234_235del (p.Cys78_Glu79delinsTer)

Gene: KMT5B (lysine methyltransferase 5B; minus strand). Cytogenetic location: 11q13.2.
Variant type: Microsatellite.
Coding change: c.234_235del on transcript NM_017635.5 (MANE Select); coding-DNA positions 234 to 235, 2 bases deleted (TG; older notation c.234_235delTG).
Protein change: p.Cys78_Glu79delinsTer.
Molecular consequence: nonsense. On other transcripts: 5 prime UTR variant (8), non-coding transcript variant (3), intron variant (1).
Genome position (GRCh38, 1-based): chr11:68,185,854-68,185,855, CA deleted on the plus strand (TG on the coding strand, the reverse complement: KMT5B is on the minus strand); deleting any 2 consecutive bases within chr11:68,185,854-68,185,857 gives the same sequence; the c. name uses the placement nearest the transcript's 3' end. VCF-style (leftmost placement, unchanged base first): chr11-68185853-TCA-T. GRCh37 (hg19) VCF-style: chr11-67953320-TCA-T.
Other names: c.21_22del, p.Cys7_Glu8delinsTer (NM_001369425.1); c.234_235del, p.Cys78_Glu79delinsTer (NM_001369426.1, NM_001369427.1, NM_016028.4 and 2 more transcripts); c.-646TG[1] (NM_001369428.1); c.-363TG[1] (NM_001369430.1); c.-432TG[1] (NM_001369431.1, NM_001369432.1, NM_001369424.1); c.-947TG[1] (NM_001369433.1); c.-209+4062_-209+4063del (NM_001369429.1); c.234_235del (NM_017635.3); and 3 more.
Identifiers: ClinVar variation 1172593 (VCV001172593.3), dbSNP rs2153068015, ClinGen allele CA2580615748.